The following is an entry in ClinVar:

ClinVar aggregate classification (germline): Uncertain significance. Review status: criteria provided, multiple submitters, no conflicts (2 of 4 stars). 2 submissions from 2 submitters: Uncertain significance (2). Last evaluated 2022-07-19.

Conditions:
Immunodeficiency 35 (IMD35). Also called: Susceptibility to infection due to TYK2 deficiency; TYK2 DEFICIENCY; HIES WITH ATYPICAL MYCOBACTERIOSIS, AUTOSOMAL RECESSIVE; HYPER-IgE SYNDROME WITH ATYPICAL MYCOBACTERIOSIS, AUTOSOMAL RECESSIVE. Identifiers: Orphanet 331226, MedGen C1969086, MONDO:0012682, OMIM 611521.

Allele frequency attached by ClinVar (database versions not stated): gnomAD 0.00001; TOPMed 0.00002; ExAC 0.00003; ESP Exome Variant Server 0.00008.
gnomAD v4.1: 61 of 1,610,476 alleles (0.0038%); highest among the groups gnomAD compares: Admixed American, 0.0067%; no homozygotes.

Submissions (2):

Labcorp Genetics (formerly Invitae), Labcorp
Classification: Uncertain significance for Immunodeficiency 35. Last evaluated: 2022-07-19. Review status: criteria provided, single submitter. Criteria: Invitae Variant Classification Sherloc (09022015). Collection method: clinical testing. Allele origin: germline.
Comment: This sequence change replaces arginine, which is basic and polar, with histidine, which is basic and polar, at codon 217 of the TYK2 protein (p.Arg217His). This variant is present in population databases (rs373143912, gnomAD 0.006%). This variant has not been reported in the literature in individuals affected with TYK2-related conditions. ClinVar contains an entry for this variant (Variation ID: 1314604). Algorithms developed to predict the effect of missense changes on protein structure and function output the following: SIFT: "Not Available"; PolyPhen-2: "Benign"; Align-GVGD: "Not Available". The histidine amino acid residue is found in multiple mammalian species, which suggests that this missense change does not adversely affect protein function. In summary, the available evidence is currently insufficient to determine the role of this variant in disease. Therefore, it has been classified as a Variant of Uncertain Significance.

GeneDx
Classification: Uncertain significance. Last evaluated: 2020-01-20. Review status: criteria provided, single submitter. Criteria: GeneDx Variant Classification Process June 2021. Collection method: clinical testing. Allele origin: germline. Affected: yes.
Comment: In silico analysis, which includes protein predictors and evolutionary conservation, supports that this variant does not alter protein structure/function; Has not been previously published as pathogenic or benign to our knowledge

NM_003331.5(TYK2):c.650G>A (p.Arg217His)

Gene: TYK2 (tyrosine kinase 2; minus strand). Cytogenetic location: 19p13.2.
Variant type: single nucleotide variant.
Coding change: c.650G>A on transcript NM_003331.5 (MANE Select); coding-DNA position 650, G replaced by A.
Protein change: p.Arg217His; replaces arginine 217 with histidine.
Molecular consequence: missense variant. On other transcripts: intron variant (1).
Genome position (GRCh38, 1-based): chr19:10,365,878, C>T on the plus strand (G>A on the coding strand, the complement: TYK2 is on the minus strand). VCF-style: chr19-10365878-C-T. GRCh37 (hg19) VCF-style: chr19-10476554-C-T.
Other names: c.650G>A, p.Arg217His (NM_001385197.1, NM_001385198.1, NM_001385199.1 and 7 more transcripts); c.630-70G>A (NM_001385205.1); short protein forms R217H.
Identifiers: ClinVar variation 1314604 (VCV001314604.3), dbSNP rs373143912, ClinGen allele CA9193659.